The following is an entry in ClinVar:

ClinVar aggregate classification (germline): Uncertain significance (1 of 4 stars; one submission).

Submission:

Women's Health and Genetics/Laboratory Corporation of America, LabCorp
Classification: Uncertain significance. Last evaluated: 2023-04-04. Review status: criteria provided, single submitter. Criteria: LabCorp Variant Classification Summary - May 2015. Collection method: clinical testing. Allele origin: germline.
Comment: Variant summary: FREM2 c.9007-1G>A is located in a canonical splice-site within the last intron and is predicted to affect mRNA splicing resulting in a significantly altered protein due to either exon skipping, shortening, or inclusion of intronic material. Several computational tools predict a significant impact on normal splicing: Three predict the variant abolishes a 3' acceptor site and one also predicts the variant creates a cryptic exonic 3' acceptor site. However, these predictions have yet to be confirmed by functional studies. The variant was absent in 250934 control chromosomes. To our knowledge, no occurrence of c.9007-1G>A in individuals affected with Cryptophthalmos Syndrome and no experimental evidence demonstrating its impact on protein function have been reported. No clinical diagnostic laboratories have submitted clinical-significance assessments for this variant to ClinVar after 2014. Based on the evidence outlined above, the variant was classified as uncertain significance.

NM_207361.6(FREM2):c.9007-1G>A

Gene: FREM2 (FRAS1 related extracellular matrix 2; plus strand). Cytogenetic location: 13q13.3.
Variant type: single nucleotide variant.
Coding change: c.9007-1G>A on transcript NM_207361.6 (MANE Select); the canonical splice acceptor site of the intron before coding-DNA position 9007, G replaced by A.
Molecular consequence: splice acceptor variant.
Genome position (GRCh38, 1-based): chr13:38,880,283, G>A. VCF-style: chr13-38880283-G-A. GRCh37 (hg19) VCF-style: chr13-39454420-G-A.
Identifiers: ClinVar variation 2503873 (VCV002503873.1), dbSNP rs2541510836, ClinGen allele CA387909730.